The following is an entry in ClinVar:

NM_001735.3(C5):c.421G>C (p.Val141Leu)

Gene: C5 (complement C5; minus strand). Cytogenetic location: 9q33.2.
Variant type: single nucleotide variant.
Coding change: c.421G>C on transcript NM_001735.3 (MANE Select); coding-DNA position 421, G replaced by C.
Protein change: p.Val141Leu; replaces valine 141 with leucine.
Molecular consequence: missense variant.
Genome position (GRCh38, 1-based): chr9:121,043,004, C>G on the plus strand (G>C on the coding strand, the complement: C5 is on the minus strand). VCF-style: chr9-121043004-C-G. GRCh37 (hg19) VCF-style: chr9-123805282-C-G.
Other names: c.439G>C, p.Val147Leu (NM_001317163.2); c.421G>C, p.Val141Leu (NM_001317164.2); short protein forms V141L, V147L.
Identifiers: ClinVar variation 1917888 (VCV001917888.5), dbSNP rs1053064557, ClinGen allele CA199354033.
Genomic context (GRCh38, chr9:121,043,004, plus strand): 5'-CAATATAGTGTCAATACTGTCAAATCCCCCACCCAGAGGAAGAAATATCTTATAATCTAC[C>G]TGACTGGTCTGGAGTATAAACAGGTTTGTCTGTATGAATGAAGAGAAATCCATTGTCATA-3'
Protein context (NP_001726.2, residues 131-151): DKPVYTPDQS[Val141Leu]KVRVYSLNDD

ClinVar aggregate classification (germline): Uncertain significance (1 of 4 stars; one submission).

Allele frequency attached by ClinVar (database versions not stated): TOPMed below 0.00001; gnomAD 0.00001.
gnomAD v4.1: 2 of 1,609,572 alleles (0.00012%); highest among the groups gnomAD compares: Admixed American, 0.0017%; no homozygotes.

Submission:

Labcorp Genetics (formerly Invitae), Labcorp
Classification: Uncertain significance. Last evaluated: 2022-05-12. Review status: criteria provided, single submitter. Criteria: Invitae Variant Classification Sherloc (09022015). Collection method: clinical testing. Allele origin: germline.
Comment: This missense change has been observed in individual(s) with clinical features of C5 deficiency (PMID: 31440263). This variant is not present in population databases (gnomAD no frequency). This sequence change replaces valine, which is neutral and non-polar, with leucine, which is neutral and non-polar, at codon 141 of the C5 protein (p.Val141Leu). This variant also falls at the last nucleotide of exon 3, which is part of the consensus splice site for this exon. Algorithms developed to predict the effect of missense changes on protein structure and function are either unavailable or do not agree on the potential impact of this missense change (SIFT: "Deleterious"; PolyPhen-2: "Probably Damaging"; Align-GVGD: "Class C0"). In summary, the available evidence is currently insufficient to determine the role of this variant in disease. Therefore, it has been classified as a Variant of Uncertain Significance. Variants that disrupt the consensus splice site are a relatively common cause of aberrant splicing (PMID: 17576681, 9536098). Algorithms developed to predict the effect of sequence changes on RNA splicing suggest that this variant may disrupt the consensus splice site.

Literature cited by the submitters: PubMed 31440263; PubMed 17576681; PubMed 9536098.